The following is an entry in ClinVar:

ClinVar aggregate classification (germline): Likely benign (1 of 4 stars; one submission).

Allele frequency attached by ClinVar (database versions not stated): gnomAD exomes 0.00019; TOPMed 0.00021; ExAC 0.00027; gnomAD 0.00034; ESP Exome Variant Server 0.00039.

Submission:

CeGaT Center for Human Genetics Tuebingen
Classification: Likely benign. Last evaluated: 2026-06-01. Review status: criteria provided, single submitter. Criteria: CeGaT Center For Human Genetics Tuebingen Variant Classification Criteria Version 2. Collection method: clinical testing. Allele origin: germline. Affected: yes. Observed: 2 variant alleles.
Comment: VWA1: BP4, BP7

NM_022834.5(VWA1):c.276C>T (p.Ser92=)

Gene: VWA1 (von Willebrand factor A domain containing 1; plus strand). Cytogenetic location: 1p36.33.
Variant type: single nucleotide variant.
Coding change: c.276C>T on transcript NM_022834.5 (MANE Select); coding-DNA position 276, C replaced by T.
Protein change: p.Ser92=; no amino-acid change (serine 92 retained).
Molecular consequence: synonymous variant. On other transcripts: intron variant (1).
Genome position (GRCh38, 1-based): chr1:1,437,129, C>T. VCF-style: chr1-1437129-C-T. GRCh37 (hg19) VCF-style: chr1-1372509-C-T.
Other names: c.74-193C>T (NM_199121.3).
Identifiers: ClinVar variation 3234242 (VCV003234242.20), dbSNP rs149849664, ClinGen allele CA523086.
Genomic context (GRCh38, chr1:1,437,129, plus strand): 5'-TGCCAGTCTGGTGCACGTGGGCAGTCGGCCATACACCGAGTTCCCCTTCGGCCAGCACAG[C>T]TCGGGTGAGGCTGCCCAGGATGCGGTGCGTGCTTCTGCCCAGCGCATGGGTGACACCCAC-3'
Protein context (NP_073745.2, residues 82-102): PYTEFPFGQH[Ser92=]SGEAAQDAVR